The following is an entry in ClinVar:

NM_000159.4(GCDH):c.861C>T (p.Phe287=)

Gene: GCDH (glutaryl-CoA dehydrogenase; plus strand). Cytogenetic location: 19p13.13.
Variant type: single nucleotide variant.
Coding change: c.861C>T on transcript NM_000159.4 (MANE Select); coding-DNA position 861, C replaced by T.
Protein change: p.Phe287=; no amino-acid change (phenylalanine 287 retained).
Molecular consequence: synonymous variant. On other transcripts: non-coding transcript variant (2).
Genome position (GRCh38, 1-based): chr19:12,896,918, C>T. VCF-style: chr19-12896918-C-T. GRCh37 (hg19) VCF-style: chr19-13007732-C-T.
Other names: p.Phe287=; c.861C>T, p.Phe287= (NM_013976.5); c.861C>T (NM_000159.2).
Identifiers: ClinVar variation 736544 (VCV000736544.51), dbSNP rs200757991, ClinGen allele CA9234533.

ClinVar aggregate classification (germline): Likely benign. Review status: criteria provided, multiple submitters, no conflicts (2 of 4 stars). 5 submissions from 5 submitters: Likely benign (4). 1 of the submissions does not count toward it. Last evaluated 2026-02-07.

Conditions:
Inborn genetic diseases. Identifiers: MedGen C0950123, MeSH D030342.
Glutaric aciduria, type 1. Also called: Glutaryl-CoA dehydrogenase deficiency; GA I; Glutaricaciduria, type I; Glutaric Acidemia Type 1; Glutaric acidemia type I; Glutaricacidemia Type 1. Identifiers: Orphanet 25, MedGen C0268595, MONDO:0009281, OMIM 231670.

Allele frequency attached by ClinVar (database versions not stated): gnomAD 0.00007 and 0.00008; TOPMed 0.00007; ExAC 0.00003; gnomAD exomes 0.00005.
gnomAD v4.1: 77 of 1,612,732 alleles (0.0048%); highest among the groups gnomAD compares: Middle Eastern, 0.033%; no homozygotes.

Submissions (5):

Ambry Genetics
Classification: Likely benign for Inborn genetic diseases. Last evaluated: 2026-02-07. Review status: criteria provided, single submitter. Criteria: Ambry Variant Classification Scheme 2023. Collection method: clinical testing. Allele origin: germline.

Labcorp Genetics (formerly Invitae), Labcorp
Classification: Likely benign for Glutaric aciduria, type 1. Last evaluated: 2025-09-25. Review status: criteria provided, single submitter. Criteria: Invitae Variant Classification Sherloc (09022015). Collection method: clinical testing. Allele origin: germline.

Mayo Clinic Laboratories, Mayo Clinic
Classification: Likely benign. Last evaluated: 2025-05-06. Review status: criteria provided, single submitter. Criteria: ACMG Guidelines, 2015. Collection method: clinical testing. Allele origin: germline. Observed: 1 variant allele.
Comment: BP4, BP7

CeGaT Center for Human Genetics Tuebingen
Classification: Likely benign. Last evaluated: 2020-07-01. Review status: criteria provided, single submitter. Criteria: CeGaT Center For Human Genetics Tuebingen Variant Classification Criteria Version 2. Collection method: clinical testing. Allele origin: germline. Affected: yes. Observed: 1 variant allele.

Natera, Inc.
Classification: Likely benign for Glutaric acidemia type 1. Last evaluated: 2020-02-10. Review status: no assertion criteria provided. Collection method: clinical testing. Allele origin: germline. Not counted in ClinVar's aggregate classification.